The following is an entry in ClinVar:

NC_000017.10:g.(?_6338309)_(6338424_?)dup

Gene: AIPL1 (AIP like 1 HSP90 co-chaperone; minus strand). Cytogenetic location: 17p13.2.
Variant type: Duplication.
Identifiers: ClinVar variation 1411825 (VCV001411825.3).

ClinVar aggregate classification (germline): Uncertain significance (1 of 4 stars; one submission).

Conditions:
Leber congenital amaurosis 4 (LCA4). Identifiers: MedGen C1858386, MONDO:0011458, OMIM 604393.

Submission:

Labcorp Genetics (formerly Invitae), Labcorp
Classification: Uncertain significance for Leber congenital amaurosis 4. Last evaluated: 2021-04-08. Review status: criteria provided, single submitter. Criteria: Invitae Variant Classification Sherloc (09022015). Collection method: clinical testing. Allele origin: germline.
Comment: This variant results in a copy number gain of the genomic region encompassing exon(s) 1 of the AIPL1 gene. This region includes the initiator codon of the gene. The 5' end of this event is unknown as it extends beyond the assayed region for this gene and therefore may encompass additional genes. The 3' boundary is likely confined to intron 1 of the AIPL1 gene. As the precise location of this event is unknown, it may be in tandem or it may be located elsewhere in the genome. This variant has not been reported in the literature in individuals with AIPL1-related conditions. Experimental studies and prediction algorithms are not available or were not evaluated, and the functional significance of this variant is currently unknown. In summary, the available evidence is currently insufficient to determine the role of this variant in disease. Therefore, it has been classified as a Variant of Uncertain Significance.